The following is an entry in ClinVar:

ClinVar aggregate classification (germline): Pathogenic (1 of 4 stars; one submission).

Conditions:
Neurofibromatosis, type 1 (NF1). Also called: Peripheral type neurofibromatosis; VON RECKLINGHAUSEN DISEASE; Neurofibromatosis, type I; NEUROFIBROMATOSIS, TYPE I, SOMATIC. Identifiers: Orphanet 636, MedGen C0027831, MONDO:0018975, OMIM 162200. Disease mechanism: loss of function.

Submission:

Labcorp Genetics (formerly Invitae), Labcorp
Classification: Pathogenic for Neurofibromatosis, type 1. Last evaluated: 2023-11-29. Review status: criteria provided, single submitter. Criteria: Invitae Variant Classification Sherloc (09022015). Collection method: clinical testing. Allele origin: germline.
Comment: This sequence change creates a premature translational stop signal (p.Ser2019Leufs*4) in the NF1 gene. It is expected to result in an absent or disrupted protein product. Loss-of-function variants in NF1 are known to be pathogenic (PMID: 10712197, 23913538). This variant is not present in population databases (gnomAD no frequency). This variant has not been reported in the literature in individuals affected with NF1-related conditions. For these reasons, this variant has been classified as Pathogenic.

Literature cited by the submitters: PubMed 10712197; PubMed 23913538.

NM_001042492.3(NF1):c.6119del (p.Ser2040fs)

Gene: NF1 (neurofibromin 1; plus strand). Cytogenetic location: 17q11.2.
Variant type: Deletion.
Coding change: c.6119del on transcript NM_001042492.3 (MANE Select); coding-DNA position 6119, one base deleted (C; older notation c.6119delC).
Protein change: p.Ser2040fs; shifts the reading frame from serine 2040.
Molecular consequence: frameshift variant.
Genome position (GRCh38, 1-based): chr17:31,336,445, C deleted. VCF-style (leftmost placement, unchanged base first): chr17-31336444-TC-T. GRCh37 (hg19) VCF-style: chr17-29663462-TC-T.
Other names: c.6056delC, p.Ser2019Leufs (NM_000267.4); short protein forms S2019fs, S2040fs.
Identifiers: ClinVar variation 2699684 (VCV002699684.3), dbSNP rs2508745507, ClinGen allele CA2697559615.